The following is an entry in ClinVar:

ClinVar aggregate classification (germline): Uncertain significance (1 of 4 stars; one submission).

Conditions:
Hereditary breast ovarian cancer syndrome. Also called: Hereditary breast and ovarian cancer syndrome (HBOC); Hereditary breast and ovarian cancer; Breast and ovarian cancer; Hereditary breast and/or ovarian cancer syndrome; BRCA1- and BRCA2-Associated Hereditary Breast and Ovarian Cancer; Hereditary breast and ovarian cancer syndrome. Identifiers: Orphanet 145, MedGen C0677776, MeSH D061325, MONDO:0003582. Disease mechanism: loss of function.

Submission:

Labcorp Genetics (formerly Invitae), Labcorp
Classification: Uncertain significance for Hereditary breast ovarian cancer syndrome. Last evaluated: 2025-10-18. Review status: criteria provided, single submitter. Criteria: Invitae Variant Classification Sherloc (09022015). Collection method: clinical testing. Allele origin: germline.
Comment: This sequence change replaces aspartic acid, which is acidic and polar, with tyrosine, which is neutral and polar, at codon 1305 of the BRCA1 protein (p.Asp1305Tyr). This variant is not present in population databases (gnomAD no frequency). This variant has not been reported in the literature in individuals affected with BRCA1-related conditions. Invitae Evidence Modeling of protein sequence and biophysical properties (such as structural, functional, and spatial information, amino acid conservation, physicochemical variation, residue mobility, and thermodynamic stability) indicates that this missense variant is expected to disrupt BRCA1 protein function with a positive predictive value of 80%. In summary, the available evidence is currently insufficient to determine the role of this variant in disease. Therefore, it has been classified as a Variant of Uncertain Significance.

NM_007294.4(BRCA1):c.3913G>T (p.Asp1305Tyr)

Genes: BRCA1 (BRCA1 DNA repair associated; minus strand), LOC126862571 (BRD4-independent group 4 enhancer GRCh37_chr17:41243136-41244335; plus strand). Cytogenetic location: 17q21.31.
Variant type: single nucleotide variant.
Coding change: c.3913G>T on transcript NM_007294.4 (MANE Select); coding-DNA position 3913, G replaced by T.
Protein change: p.Asp1305Tyr; replaces aspartic acid 1305 with tyrosine.
Molecular consequence: missense variant. On other transcripts: intron variant (135).
Genome position (GRCh38, 1-based): chr17:43,091,618, C>A on the plus strand (G>T on the coding strand, the complement: BRCA1 is on the minus strand). VCF-style: chr17-43091618-C-A. GRCh37 (hg19) VCF-style: chr17-41243635-C-A.
Other names: c.3790G>T, p.Asp1264Tyr (NM_001407664.1, NM_001407665.1, NM_001407666.1 and 19 more transcripts); c.3787G>T, p.Asp1263Tyr (NM_001407670.1, NM_001407671.1, NM_001407672.1 and 11 more transcripts); c.3700G>T, p.Asp1234Tyr (NM_001407571.1, NM_001407853.1, NM_001407894.1 and 9 more transcripts); c.3913G>T, p.Asp1305Tyr (NM_001407581.1, NM_001407582.1, NM_001407583.1 and 30 more transcripts); c.3910G>T, p.Asp1304Tyr (NM_001407587.1, NM_001407590.1, NM_001407591.1 and 22 more transcripts); c.3904G>T, p.Asp1302Tyr (NM_001407646.1, NM_001407647.1); c.3835G>T, p.Asp1279Tyr (NM_001407653.1, NM_001407654.1, NM_001407655.1 and 4 more transcripts); c.3832G>T, p.Asp1278Tyr (NM_001407659.1, NM_001407660.1, NM_001407661.1 and 1 more transcripts); and 41 more; short protein forms D1009Y, D1137Y, D1177Y, D1178Y, D1193Y, D1194Y, D1216Y, D1217Y.
Identifiers: ClinVar variation 4800833 (VCV004800833.1).